The following is an entry in ClinVar:

NM_058216.3(RAD51C):c.74T>G (p.Val25Gly)

Gene: RAD51C (RAD51 paralog C; plus strand). Cytogenetic location: 17q22.
Variant type: single nucleotide variant.
Coding change: c.74T>G on transcript NM_058216.3 (MANE Select); coding-DNA position 74, T replaced by G.
Protein change: p.Val25Gly; replaces valine 25 with glycine.
Molecular consequence: missense variant. On other transcripts: non-coding transcript variant (1).
Genome position (GRCh38, 1-based): chr17:58,692,717, T>G. VCF-style: chr17-58692717-T-G. GRCh37 (hg19) VCF-style: chr17-56770078-T-G.
Other names: c.74T>G, p.Val25Gly (NM_002876.4); short protein forms V25G.
Identifiers: ClinVar variation 4883479 (VCV004883479.2).

ClinVar aggregate classification (germline): Uncertain significance (1 of 4 stars; one submission).

Submission:

Dasa
Classification: Uncertain significance. Last evaluated: 2025-12-15. Review status: criteria provided, single submitter. Criteria: DASA Assertion Criteria. Collection method: clinical testing. Allele origin: germline.
Comment: NM_058216.3(RAD51C):c.74T>G (p.Val25Gly) is a missense variant that results in the substitution of valine with glycine. This variant is absent from population databases. Computational prediction algorithms are consistent with a benign effect. The currently available literature and clinical evidence are not sufficient to establish a definitive association between this variant and the reported condition. Therefore, this variant is classified as a variant of uncertain significance.